The following is an entry in ClinVar:

ClinVar aggregate classification (germline): Uncertain significance (1 of 4 stars; one submission).

Submission:

GeneDx
Classification: Uncertain significance. Last evaluated: 2024-10-08. Review status: criteria provided, single submitter. Criteria: GeneDx Variant Classification Process June 2021. Collection method: clinical testing. Allele origin: germline. Affected: yes.
Comment: In silico analysis indicates that this missense variant does not alter protein structure/function; Has not been previously published as pathogenic or benign to our knowledge

NM_020964.3(EPG5):c.2442G>C (p.Glu814Asp)

Gene: EPG5 (ectopic P-granules 5 autophagy tethering factor; minus strand). Cytogenetic location: 18q21.1.
Variant type: single nucleotide variant.
Coding change: c.2442G>C on transcript NM_020964.3 (MANE Select); coding-DNA position 2442, G replaced by C.
Protein change: p.Glu814Asp; replaces glutamic acid 814 with aspartic acid.
Molecular consequence: missense variant.
Genome position (GRCh38, 1-based): chr18:45,928,980, C>G on the plus strand (G>C on the coding strand, the complement: EPG5 is on the minus strand). VCF-style: chr18-45928980-C-G. GRCh37 (hg19) VCF-style: chr18-43508946-C-G.
Other names: c.2442G>C, p.Glu814Asp (NM_001410858.1, NM_001410859.1); short protein forms E814D.
Identifiers: ClinVar variation 3777586 (VCV003777586.1).